The following is an entry in ClinVar:

ClinVar aggregate classification (germline): Uncertain significance. Review status: criteria provided, multiple submitters, no conflicts (2 of 4 stars). 2 submissions from 2 submitters: Uncertain significance (2). Last evaluated 2025-08-22.

Allele frequency attached by ClinVar (database versions not stated): gnomAD 0.00001; TOPMed 0.00002.
gnomAD v4.1: 20 of 1,611,688 alleles (0.0012%); highest among the groups gnomAD compares: African/African-American, 0.0027%; 1 homozygote.

Submissions (2):

Labcorp Genetics (formerly Invitae), Labcorp
Classification: Uncertain significance. Last evaluated: 2025-08-22. Review status: criteria provided, single submitter. Criteria: Invitae Variant Classification Sherloc (09022015). Collection method: clinical testing. Allele origin: germline.
Comment: This sequence change replaces proline, which is neutral and non-polar, with leucine, which is neutral and non-polar, at codon 451 of the ASB10 protein (p.Pro451Leu). This variant is present in population databases (no rsID available, gnomAD 0.004%). This variant has not been reported in the literature in individuals affected with ASB10-related conditions. ClinVar contains an entry for this variant (Variation ID: 3130078). An algorithm developed to predict the effect of missense changes on protein structure and function (PolyPhen-2) suggests that this variant is likely to be disruptive. In summary, the available evidence is currently insufficient to determine the role of this variant in disease. Therefore, it has been classified as a Variant of Uncertain Significance.

Ambry Genetics
Classification: Uncertain significance. Last evaluated: 2023-10-20. Review status: criteria provided, single submitter. Criteria: Ambry Variant Classification Scheme 2023. Collection method: clinical testing. Allele origin: germline.

NM_001142459.2(ASB10):c.1352C>T (p.Pro451Leu)

Gene: ASB10 (ankyrin repeat and SOCS box containing 10; minus strand). Cytogenetic location: 7q36.1.
Variant type: single nucleotide variant.
Coding change: c.1352C>T on transcript NM_001142459.2 (MANE Select); coding-DNA position 1352, C replaced by T.
Protein change: p.Pro451Leu; replaces proline 451 with leucine.
Molecular consequence: missense variant.
Genome position (GRCh38, 1-based): chr7:151,176,164, G>A on the plus strand (C>T on the coding strand, the complement: ASB10 is on the minus strand). VCF-style: chr7-151176164-G-A. GRCh37 (hg19) VCF-style: chr7-150873251-G-A.
Other names: c.1238C>T, p.Pro413Leu (NM_001142460.1); c.1307C>T, p.Pro436Leu (NM_080871.4); short protein forms P413L, P436L, P451L.
Identifiers: ClinVar variation 3130078 (VCV003130078.2), dbSNP rs935737499, ClinGen allele CA169117511.